The following is an entry in ClinVar:

ClinVar aggregate classification (germline): Uncertain significance (1 of 4 stars; one submission).

Conditions:
Familial melanoma. Also called: Hereditary melanoma; Hereditary cutaneous melanoma. Identifiers: Orphanet 618, MedGen C1512419, MONDO:0018961.

Submission:

Labcorp Genetics (formerly Invitae), Labcorp
Classification: Uncertain significance for Familial melanoma. Last evaluated: 2021-11-23. Review status: criteria provided, single submitter. Criteria: Invitae Variant Classification Sherloc (09022015). Collection method: clinical testing. Allele origin: germline.
Comment: In summary, the available evidence is currently insufficient to determine the role of this variant in disease. Therefore, it has been classified as a Variant of Uncertain Significance. Advanced modeling of protein sequence and biophysical properties (such as structural, functional, and spatial information, amino acid conservation, physicochemical variation, residue mobility, and thermodynamic stability) performed at Invitae indicates that this missense variant is not expected to disrupt CDK4 protein function. This variant has not been reported in the literature in individuals affected with CDK4-related conditions. This variant is not present in population databases (gnomAD no frequency). This sequence change replaces threonine, which is neutral and polar, with serine, which is neutral and polar, at codon 153 of the CDK4 protein (p.Thr153Ser).

NM_000075.4(CDK4):c.457A>T (p.Thr153Ser)

Gene: CDK4 (cyclin dependent kinase 4; minus strand). Cytogenetic location: 12q14.1.
Variant type: single nucleotide variant.
Coding change: c.457A>T on transcript NM_000075.4 (MANE Select); coding-DNA position 457, A replaced by T.
Protein change: p.Thr153Ser; replaces threonine 153 with serine.
Molecular consequence: missense variant.
Genome position (GRCh38, 1-based): chr12:57,750,988, T>A on the plus strand (A>T on the coding strand, the complement: CDK4 is on the minus strand). VCF-style: chr12-57750988-T-A. GRCh37 (hg19) VCF-style: chr12-58144771-T-A.
Other names: short protein forms T153S.
Identifiers: ClinVar variation 1505336 (VCV001505336.6), dbSNP rs2140386477, ClinGen allele CA385546406.